The following is an entry in ClinVar:

NM_152564.5(VPS13B):c.2975G>A (p.Arg992Lys)

Gene: VPS13B (vacuolar protein sorting 13 homolog B; plus strand). Cytogenetic location: 8q22.2.
Variant type: single nucleotide variant.
Coding change: c.2975G>A on transcript NM_152564.5 (MANE Select); coding-DNA position 2975, G replaced by A.
Protein change: p.Arg992Lys; replaces arginine 992 with lysine.
Molecular consequence: missense variant.
Genome position (GRCh38, 1-based): chr8:99,391,597, G>A. VCF-style: chr8-99391597-G-A. GRCh37 (hg19) VCF-style: chr8-100403825-G-A.
Other names: c.2975G>A, p.Arg992Lys (NM_017890.5); short protein forms R992K.
Identifiers: ClinVar variation 2892229 (VCV002892229.2), dbSNP rs1345250012, ClinGen allele CA371865650.
Genomic context (GRCh38, chr8:99,391,597, plus strand): 5'-TTCATTTTGTCTCTTTCCAGCAGCCTGTGGTAGCTGTTCCTCTTGTTATGCCAGTTTGTA[G>A]AAGGAAAGAGGATGAGGTGTCTATTGGAAGTGCCCCCTTGGCAAAGCAGCAATCATATCA-3'
Protein context (NP_689777.3, residues 982-1002): VAVPLVMPVC[Arg992Lys]RKEDEVSIGS

ClinVar aggregate classification (germline): Uncertain significance. Review status: criteria provided, single submitter (1 of 4 stars). 2 submissions from 2 submitters: Uncertain significance (1). 1 of the submissions does not count toward it. Last evaluated 2023-10-24.

Conditions:
VPS13B-related disorder. Also called: VPS13B-related condition.
Cohen syndrome (COH1). Also called: PEPPER SYNDROME; Cutis verticis gyrata, retinitis pigmentosa, and sensorineural deafness. Identifiers: Orphanet 193, MedGen C0265223, MONDO:0008999, OMIM 216550.

Allele frequency attached by ClinVar (database versions not stated): TOPMed below 0.00001; gnomAD 0.00001.
gnomAD v4.1: 2 of 1,614,068 alleles (0.00012%); highest among the groups gnomAD compares: African/African-American, 0.0027%; no homozygotes.

Submissions (2):

Labcorp Genetics (formerly Invitae), Labcorp
Classification: Uncertain significance for Cohen syndrome. Last evaluated: 2023-10-24. Review status: criteria provided, single submitter. Criteria: Invitae Variant Classification Sherloc (09022015). Collection method: clinical testing. Allele origin: germline.
Comment: This sequence change replaces arginine, which is basic and polar, with lysine, which is basic and polar, at codon 992 of the VPS13B protein (p.Arg992Lys). This variant is present in population databases (no rsID available, gnomAD 0.02%). This variant has not been reported in the literature in individuals affected with VPS13B-related conditions. Advanced modeling of protein sequence and biophysical properties (such as structural, functional, and spatial information, amino acid conservation, physicochemical variation, residue mobility, and thermodynamic stability) performed at Invitae indicates that this missense variant is not expected to disrupt VPS13B protein function with a negative predictive value of 80%. In summary, the available evidence is currently insufficient to determine the role of this variant in disease. Therefore, it has been classified as a Variant of Uncertain Significance.

PreventionGenetics, part of Exact Sciences
Classification: Uncertain significance for VPS13B-related condition. Last evaluated: 2023-11-29. Review status: no assertion criteria provided. Collection method: clinical testing. Allele origin: germline. Not counted in ClinVar's aggregate classification.
Comment: The VPS13B c.2975G>A variant is predicted to result in the amino acid substitution p.Arg992Lys. To our knowledge, this variant has not been reported in the literature. This variant is reported in 0.023% of alleles in individuals of African descent in gnomAD. At this time, the clinical significance of this variant is uncertain due to the absence of conclusive functional and genetic evidence.